The following is an entry in ClinVar:

NM_000051.4(ATM):c.4573dup (p.Ile1525fs)

Gene: ATM (ATM serine/threonine kinase; plus strand). Cytogenetic location: 11q22.3.
Variant type: Duplication.
Coding change: c.4573dup on transcript NM_000051.4 (MANE Select); coding-DNA position 4573, one base duplicated (A; older notation c.4573dupA).
Protein change: p.Ile1525fs; shifts the reading frame from isoleucine 1525.
Molecular consequence: frameshift variant.
Genome position (GRCh38, 1-based): chr11:108,292,755, A duplicated. VCF-style (leftmost placement, unchanged base first): chr11-108292754-T-TA. GRCh37 (hg19) VCF-style: chr11-108163481-T-TA.
Other names: c.4573dup, p.Ile1525fs (NM_001351834.2); short protein forms I1525fs.
Identifiers: ClinVar variation 3148317 (VCV003148317.1), dbSNP rs2546925878, ClinGen allele CA2825001883.

ClinVar aggregate classification (germline): Pathogenic (1 of 4 stars; one submission).

Conditions:
Familial cancer of breast. Also called: BREAST CANCER, FAMILIAL; Hereditary breast cancer; hereditary breast carcinoma. Identifiers: Orphanet 227535, MedGen C0346153, MONDO:0016419, OMIM 114480. Disease mechanism: loss of function.

Submission:

Myriad Genetics, Inc.
Classification: Pathogenic for Familial cancer of breast. Last evaluated: 2024-01-24. Review status: criteria provided, single submitter. Criteria: Myriad Autosomal Dominant, Autosomal Recessive and X-Linked Classification Criteria (2023). Collection method: clinical testing. Allele origin: unknown.
Comment: This variant is considered pathogenic. This variant creates a frameshift predicted to result in premature protein truncation.